The following is an entry in ClinVar:

NM_006208.3(ENPP1):c.*3271C>G

Gene: ENPP1 (ectonucleotide pyrophosphatase/phosphodiesterase 1; plus strand). Cytogenetic location: 6q23.2.
Variant type: single nucleotide variant.
Coding change: c.*3271C>G on transcript NM_006208.3 (MANE Select); 3271 bases downstream of the stop codon, C replaced by G.
Molecular consequence: 3 prime UTR variant.
Genome position (GRCh38, 1-based): chr6:131,893,782, C>G. VCF-style: chr6-131893782-C-G. GRCh37 (hg19) VCF-style: chr6-132214922-C-G.
Identifiers: ClinVar variation 355415 (VCV000355415.5), dbSNP rs1510, ClinGen allele CA10625980.

ClinVar aggregate classification (germline): Benign. Review status: criteria provided, single submitter (1 of 4 stars). 2 submissions from 1 submitter: Benign (2). Last evaluated 2018-01-13.

Conditions:
Hypophosphatemic rickets, autosomal recessive, 2 (ARHR2). Identifiers: Orphanet 289176, MedGen C2750078, MONDO:0013219, OMIM 613312.
Arterial calcification, generalized, of infancy, 1 (GACI1). Also called: Idiopathic Infantile Arterial Calcification. Identifiers: Orphanet 51608, MedGen C4551985, MONDO:0008817, OMIM 208000.

Allele frequency attached by ClinVar (database versions not stated): 1000 Genomes Project 0.05212; 1000 Genomes Project 30x 0.05418; TOPMed 0.07711; gnomAD 0.09698 and 0.09857; gnomAD exomes 0.50000.
gnomAD v4.1: 14,746 of 151,750 alleles (9.7%); highest among the groups gnomAD compares: Non-Finnish European, 13%; 1,060 homozygotes.

Submissions (2):

Illumina Laboratory Services, Illumina
Classification: Benign for Arterial calcification, generalized, of infancy, 1. Last evaluated: 2018-01-13. Review status: criteria provided, single submitter. Criteria: ICSL Variant Classification Criteria 13 December 2019. Collection method: clinical testing. Allele origin: germline.
Comment: This variant was observed in the ICSL laboratory as part of a predisposition screen in an ostensibly healthy population. It had not been previously curated by ICSL or reported in the Human Gene Mutation Database (HGMD: prior to June 1st, 2018), and was therefore a candidate for classification through an automated scoring system. Utilizing variant allele frequency, disease prevalence and penetrance estimates, and inheritance mode, an automated score was calculated to assess if this variant is too frequent to cause the disease. Based on the score and internal cut-off values, a variant classified as benign is not then subjected to further curation. The score for this variant resulted in a classification of benign for this disease.

Illumina Laboratory Services, Illumina
Classification: Benign for Hypophosphatemic rickets, autosomal recessive, 2. Last evaluated: 2018-01-13. Review status: criteria provided, single submitter. Criteria: ICSL Variant Classification Criteria 13 December 2019. Collection method: clinical testing. Allele origin: germline.
Comment: the same text as in the submission from Illumina Laboratory Services, Illumina above.